The following is an entry in ClinVar:

NM_000179.3(MSH6):c.91G>A (p.Gly31Ser)

Gene: MSH6 (mutS homolog 6; plus strand). Cytogenetic location: 2p16.3.
Variant type: single nucleotide variant.
Coding change: c.91G>A on transcript NM_000179.3 (MANE Select); coding-DNA position 91, G replaced by A.
Protein change: p.Gly31Ser; replaces glycine 31 with serine.
Molecular consequence: missense variant. On other transcripts: 5 prime UTR variant (1), synonymous variant (1).
Genome position (GRCh38, 1-based): chr2:47,783,324, G>A. VCF-style: chr2-47783324-G-A. GRCh37 (hg19) VCF-style: chr2-48010463-G-A.
Other names: c.91G>A, p.Gly31Ser (NM_001281492.2, NM_001406795.1, NM_001406796.1 and 9 more transcripts); c.-646G>A (NM_001281493.2, NM_001406811.1); c.-238G>A (NM_001406799.1); c.36G>A, p.Lys12= (NM_001406804.1); c.-838G>A (NM_001406807.1); c.-493G>A (NM_001406812.1); c.-904G>A (NM_001406814.1); c.-449G>A (NM_001406816.1); short protein forms G31S.
Identifiers: ClinVar variation 1766173 (VCV001766173.2), dbSNP rs1553408183, ClinGen allele CA346734819.
Genomic context (GRCh38, chr2:47,783,324, plus strand): 5'-TTCCCCAAGTCTCCGGCGCTGAGTGATGCCAACAAGGCCTCGGCCAGGGCCTCACGCGAA[G>A]GCGGCCGTGCCGCCGCTGCCCCCGGGGCCTCTCCTTCCCCAGGCGGGGATGCGGCCTGGA-3'
Protein context (NP_000170.1, residues 21-41): NKASARASRE[Gly31Ser]GRAAAAPGAS

ClinVar aggregate classification (germline): Uncertain significance (1 of 4 stars; one submission).

Conditions:
Hereditary cancer-predisposing syndrome. Also called: Neoplastic Syndromes, Hereditary; Tumor predisposition; Hereditary Cancer Syndrome; Hereditary neoplastic syndrome. Identifiers: Orphanet 140162, MedGen C0027672, MeSH D009386, MONDO:0015356.

Allele frequency attached by ClinVar (database versions not stated): gnomAD exomes below 0.00001; TOPMed below 0.00001.
gnomAD v4.1: 1 of 1,610,662 alleles (0.000062%); highest among the groups gnomAD compares: Non-Finnish European, 0.000085%; no homozygotes.

Submission:

Ambry Genetics
Classification: Uncertain significance for Hereditary cancer-predisposing syndrome. Last evaluated: 2021-08-04. Review status: criteria provided, single submitter. Criteria: Ambry Variant Classification Scheme 2023. Collection method: clinical testing. Allele origin: germline.
Comment: The p.G31S variant (also known as c.91G>A), located in coding exon 1 of the MSH6 gene, results from a G to A substitution at nucleotide position 91. The glycine at codon 31 is replaced by serine, an amino acid with similar properties. This amino acid position is not well conserved in available vertebrate species. In addition, this alteration is predicted to be tolerated by in silico analysis. Since supporting evidence is limited at this time, the clinical significance of this alteration remains unclear.